The following is an entry in ClinVar:

ClinVar aggregate classification (germline): Uncertain significance (1 of 4 stars; one submission).

Allele frequency attached by ClinVar (database versions not stated): gnomAD exomes below 0.00001; TOPMed below 0.00001.
gnomAD v4.1: 4 of 1,614,184 alleles (0.00025%); highest among the groups gnomAD compares: Non-Finnish European, 0.00034%; no homozygotes.

Submission:

Labcorp Genetics (formerly Invitae), Labcorp
Classification: Uncertain significance. Last evaluated: 2023-12-18. Review status: criteria provided, single submitter. Criteria: Invitae Variant Classification Sherloc (09022015). Collection method: clinical testing. Allele origin: germline.
Comment: This sequence change replaces arginine, which is basic and polar, with glutamine, which is neutral and polar, at codon 559 of the DSCAML1 protein (p.Arg559Gln). This variant is not present in population databases (gnomAD no frequency). This variant has not been reported in the literature in individuals affected with DSCAML1-related conditions. An algorithm developed to predict the effect of missense changes on protein structure and function (PolyPhen-2) suggests that this variant is likely to be disruptive. In summary, the available evidence is currently insufficient to determine the role of this variant in disease. Therefore, it has been classified as a Variant of Uncertain Significance.

NM_020693.4(DSCAML1):c.1496G>A (p.Arg499Gln)

Gene: DSCAML1 (DS cell adhesion molecule like 1; minus strand). Cytogenetic location: 11q23.3.
Variant type: single nucleotide variant.
Coding change: c.1496G>A on transcript NM_020693.4 (MANE Select); coding-DNA position 1496, G replaced by A.
Protein change: p.Arg499Gln; replaces arginine 499 with glutamine.
Molecular consequence: missense variant.
Genome position (GRCh38, 1-based): chr11:117,518,480, C>T on the plus strand (G>A on the coding strand, the complement: DSCAML1 is on the minus strand). VCF-style: chr11-117518480-C-T. GRCh37 (hg19) VCF-style: chr11-117389195-C-T.
Other names: c.1496G>A, p.Arg499Gln (NM_001367904.1); c.1088G>A, p.Arg363Gln (NM_001367905.1); short protein forms R363Q, R499Q.
Identifiers: ClinVar variation 2810740 (VCV002810740.3), dbSNP rs1484664737, ClinGen allele CA382745361.